The following is an entry in ClinVar:

ClinVar aggregate classification (germline): Uncertain significance (1 of 4 stars; one submission).

gnomAD v4.1: 108 of 1,606,130 alleles (0.0067%); highest among the groups gnomAD compares: Non-Finnish European, 0.0086%; no homozygotes.

Submission:

Labcorp Genetics (formerly Invitae), Labcorp
Classification: Uncertain significance. Last evaluated: 2024-11-16. Review status: criteria provided, single submitter. Criteria: Invitae Variant Classification Sherloc (09022015). Collection method: clinical testing. Allele origin: germline.
Comment: This sequence change falls in intron 12 of the FOCAD gene. It does not directly change the encoded amino acid sequence of the FOCAD protein. This variant is present in population databases (rs368775220, gnomAD 0.009%). This variant has not been reported in the literature in individuals affected with FOCAD-related conditions. In summary, the available evidence is currently insufficient to determine the role of this variant in disease. Therefore, it has been classified as a Variant of Uncertain Significance.

NM_001375567.1(FOCAD):c.1198-6T>C

Gene: FOCAD (focadhesin; plus strand). Cytogenetic location: 9p21.3.
Variant type: single nucleotide variant.
Coding change: c.1198-6T>C on transcript NM_001375567.1 (MANE Select); 6 bases into the intron before coding-DNA position 1198, T replaced by C.
Molecular consequence: intron variant.
Genome position (GRCh38, 1-based): chr9:20,789,345, T>C. VCF-style: chr9-20789345-T-C. GRCh37 (hg19) VCF-style: chr9-20789344-T-C.
Other names: c.1198-6T>C (NM_017794.5, NM_001375568.1); c.1093-6T>C (NM_001375570.1).
Identifiers: ClinVar variation 3611940 (VCV003611940.2).